The following is an entry in ClinVar:

NM_001903.5(CTNNA1):c.2016C>G (p.Ile672Met)

Gene: CTNNA1 (catenin alpha 1; plus strand). Cytogenetic location: 5q31.2.
Variant type: single nucleotide variant.
Coding change: c.2016C>G on transcript NM_001903.5 (MANE Select); coding-DNA position 2016, C replaced by G.
Protein change: p.Ile672Met; replaces isoleucine 672 with methionine.
Molecular consequence: missense variant.
Genome position (GRCh38, 1-based): chr5:138,930,478, C>G. VCF-style: chr5-138930478-C-G. GRCh37 (hg19) VCF-style: chr5-138266167-C-G.
Other names: c.906C>G, p.Ile302Met (NM_001323994.1, NM_001323995.1, NM_001323996.1 and 17 more transcripts); c.567C>G, p.Ile189Met (NM_001324006.1, NM_001324007.1, NM_001324008.1 and 2 more transcripts); c.813C>G, p.Ile271Met (NM_001324011.1); c.663C>G, p.Ile221Met (NM_001324012.1, NM_001324013.1); c.2016C>G, p.Ile672Met (NM_001290307.3, NM_001323982.2, NM_001323983.1 and 2 more transcripts); c.1707C>G, p.Ile569Met (NM_001290309.3); c.1647C>G, p.Ile549Met (NM_001290310.3); c.1923C>G, p.Ile641Met (NM_001323986.2); short protein forms I271M, I569M, I672M, I641M, I189M, I549M, I221M, I302M.
Identifiers: ClinVar variation 844266 (VCV000844266.9), dbSNP rs1363433371, ClinGen allele CA361133301.
Genomic context (GRCh38, chr5:138,930,478, plus strand): 5'-CTCTGAGAACTTCATATTCTTTTTATGTAAGAGCTCTTTGTGCTTCTGATCACAGGCGAT[C>G]ATGGCTCAGCTTCCCCAGGAGCAAAAAGCGAAGATTGCGGAACAGGTGGCCAGCTTCCAG-3'
Protein context (NP_001894.2, residues 662-682): QLIAGQSARA[Ile672Met]MAQLPQEQKA

ClinVar aggregate classification (germline): Uncertain significance (1 of 4 stars; one submission).

Submission:

Labcorp Genetics (formerly Invitae), Labcorp
Classification: Uncertain significance. Last evaluated: 2019-12-09. Review status: criteria provided, single submitter. Criteria: Invitae Variant Classification Sherloc (09022015). Collection method: clinical testing. Allele origin: germline.
Comment: Algorithms developed to predict the effect of missense changes on protein structure and function are either unavailable or do not agree on the potential impact of this missense change (SIFT: "Deleterious"; PolyPhen-2: "Benign"; Align-GVGD: "Class C0"). In summary, the available evidence is currently insufficient to determine the role of this variant in disease. Therefore, it has been classified as a Variant of Uncertain Significance. This sequence change replaces isoleucine with methionine at codon 672 of the CTNNA1 protein (p.Ile672Met). The isoleucine residue is highly conserved and there is a small physicochemical difference between isoleucine and methionine. This variant is not present in population databases (ExAC no frequency). This variant has not been reported in the literature in individuals with CTNNA1-related conditions.